The following is an entry in ClinVar:

ClinVar aggregate classification (germline): Benign. Review status: criteria provided, multiple submitters, no conflicts (2 of 4 stars). 3 submissions from 2 submitters: Benign (3). Last evaluated 2018-01-13.

Conditions:
Platelet-type bleeding disorder 9 (BDPLT9). Also called: GLYCOPROTEIN Ia DEFICIENCY; GP Ia DEFICIENCY; COLLAGEN PLATELET RECEPTOR DEFICIENCY. Identifiers: Orphanet 73271, Orphanet 98886, MedGen C3280114, MONDO:0013622, OMIM 614200.
Sulfite oxidase deficiency due to molybdenum cofactor deficiency type B1 (MOCODB1). Also called: MOLYBDENUM COFACTOR DEFICIENCY, TYPE B1; Molybdenum cofactor deficiency, complementation group B; Sulfite oxidase deficiency due to molybdenum cofactor deficiency type B; Molybdenum cofactor deficiency B. Identifiers: Orphanet 308393, Orphanet 833, MedGen C6065887, MONDO:0009644, OMIM 252160.

Allele frequency attached by ClinVar (database versions not stated): gnomAD 0.10619 and 0.10354; TOPMed 0.10846; 1000 Genomes Project 0.08566; 1000 Genomes Project 30x 0.08713.

Submissions (3):

Illumina Laboratory Services, Illumina
Classification: Benign for Platelet-type bleeding disorder 9. Last evaluated: 2018-01-13. Review status: criteria provided, single submitter. Criteria: ICSL Variant Classification Criteria 13 December 2019. Collection method: clinical testing. Allele origin: germline.
Comment: This variant was observed in the ICSL laboratory as part of a predisposition screen in an ostensibly healthy population. It had not been previously curated by ICSL or reported in the Human Gene Mutation Database (HGMD: prior to June 1st, 2018), and was therefore a candidate for classification through an automated scoring system. Utilizing variant allele frequency, disease prevalence and penetrance estimates, and inheritance mode, an automated score was calculated to assess if this variant is too frequent to cause the disease. Based on the score and internal cut-off values, a variant classified as benign is not then subjected to further curation. The score for this variant resulted in a classification of benign for this disease.

Illumina Laboratory Services, Illumina
Classification: Benign for Sulfite oxidase deficiency due to molybdenum cofactor deficiency type B1. Last evaluated: 2018-01-13. Review status: criteria provided, single submitter. Criteria: ICSL Variant Classification Criteria 13 December 2019. Collection method: clinical testing. Allele origin: germline.
Comment: the same text as in the submission from Illumina Laboratory Services, Illumina above.

Breakthrough Genomics
Classification: Benign. Review status: criteria provided, single submitter. Criteria: ACMG Guidelines, 2015. Collection method: not provided. Allele origin: germline. Inheritance: Autosomal recessive inheritance. Affected: yes.

NM_004531.5(MOCS2):c.*2415C>T

Genes: ITGA2 (integrin subunit alpha 2; plus strand), MOCS2 (molybdenum cofactor synthesis 2; minus strand). Cytogenetic location: 5q11.2.
Variant type: single nucleotide variant.
Coding change: c.*2415C>T on transcript NM_004531.5 (MANE Select); 2415 bases downstream of the stop codon, C replaced by T.
Molecular consequence: 3 prime UTR variant.
Genome position (GRCh38, 1-based): chr5:53,096,187, G>A on the plus strand (C>T on the coding strand, the complement: MOCS2 is on the minus strand). VCF-style: chr5-53096187-G-A. GRCh37 (hg19) VCF-style: chr5-52392017-G-A.
Other names: c.*2902C>T (NM_176806.4).
Identifiers: ClinVar variation 903787 (VCV000903787.7), dbSNP rs16880872, ClinGen allele CA118882864.
Genomic context (GRCh38, chr5:53,096,187, plus strand): 5'-CTGGATGATCCACCGAACTACATCACACAAATCATTCTTGAGAGATCTTCACTGTACCAG[G>A]TGCTCAGTAACTGTGTAAGATGTCTAAATCACTTATTTCTCAAAAAAGGCTGAAAATATA-3'